The following is an entry in ClinVar:

NM_030665.4(RAI1):c.4313G>T (p.Gly1438Val)

Gene: RAI1 (retinoic acid induced 1; plus strand). Cytogenetic location: 17p11.2.
Variant type: single nucleotide variant.
Coding change: c.4313G>T on transcript NM_030665.4 (MANE Select); coding-DNA position 4313, G replaced by T.
Protein change: p.Gly1438Val; replaces glycine 1438 with valine.
Molecular consequence: missense variant.
Genome position (GRCh38, 1-based): chr17:17,797,261, G>T. VCF-style: chr17-17797261-G-T. GRCh37 (hg19) VCF-style: chr17-17700575-G-T.
Other names: short protein forms G1438V.
Identifiers: ClinVar variation 2972278 (VCV002972278.3), dbSNP rs781252626, ClinGen allele CA8418935.

ClinVar aggregate classification (germline): Uncertain significance (1 of 4 stars; one submission).

gnomAD v4.1: 6 of 1,613,184 alleles (0.00037%); highest among the groups gnomAD compares: Admixed American, 0.0017%; no homozygotes.

Submission:

Labcorp Genetics (formerly Invitae), Labcorp
Classification: Uncertain significance. Last evaluated: 2022-11-23. Review status: criteria provided, single submitter. Criteria: Invitae Variant Classification Sherloc (09022015). Collection method: clinical testing. Allele origin: germline.
Comment: This variant has not been reported in the literature in individuals affected with RAI1-related conditions. In summary, the available evidence is currently insufficient to determine the role of this variant in disease. Therefore, it has been classified as a Variant of Uncertain Significance. Advanced modeling of protein sequence and biophysical properties (such as structural, functional, and spatial information, amino acid conservation, physicochemical variation, residue mobility, and thermodynamic stability) performed at Invitae indicates that this missense variant is not expected to disrupt RAI1 protein function. This variant is present in population databases (rs781252626, gnomAD 0.003%). This sequence change replaces glycine, which is neutral and non-polar, with valine, which is neutral and non-polar, at codon 1438 of the RAI1 protein (p.Gly1438Val).